The following is an entry in ClinVar:

ClinVar aggregate classification (germline): Likely benign (1 of 4 stars; one submission).

gnomAD v4.1: 179 of 1,612,970 alleles (0.011%); highest among the groups gnomAD compares: African/African-American, 0.19%; no homozygotes.

Submission:

CeGaT Center for Human Genetics Tuebingen
Classification: Likely benign. Last evaluated: 2026-01-01. Review status: criteria provided, single submitter. Criteria: CeGaT Center For Human Genetics Tuebingen Variant Classification Criteria Version 2. Collection method: clinical testing. Allele origin: germline. Affected: yes. Observed: 1 variant allele.
Comment: GPR17: BP4, BP7

NM_001161417.2(GPR17):c.726C>T (p.Ala242=)

Genes: GPR17 (G protein-coupled receptor 17; plus strand), LIMS2 (LIM zinc finger domain containing 2; minus strand). Cytogenetic location: 2q14.3.
Variant type: single nucleotide variant.
Coding change: c.726C>T on transcript NM_001161417.2 (MANE Select); coding-DNA position 726, C replaced by T.
Protein change: p.Ala242=; no amino-acid change (alanine 242 retained).
Molecular consequence: synonymous variant. On other transcripts: intron variant (4).
Genome position (GRCh38, 1-based): chr2:127,651,461, C>T. VCF-style: chr2-127651461-C-T. GRCh37 (hg19) VCF-style: chr2-128409035-C-T.
Other names: c.810C>T, p.Ala270= (NM_001161415.2, NM_005291.3); c.726C>T, p.Ala242= (NM_001161416.2); c.344+2963G>A (NM_001161404.2); c.359+2963G>A (NM_001161403.3); c.425+2963G>A (NM_001136037.4); c.431+2963G>A (NM_017980.5).
Identifiers: ClinVar variation 4821493 (VCV004821493.4).